The following is an entry in ClinVar:

NM_000021.4(PSEN1):c.649G>C (p.Gly217Arg)

Gene: PSEN1 (presenilin 1; plus strand). Cytogenetic location: 14q24.2.
Variant type: single nucleotide variant.
Coding change: c.649G>C on transcript NM_000021.4 (MANE Select); coding-DNA position 649, G replaced by C.
Protein change: p.Gly217Arg; replaces glycine 217 with arginine.
Molecular consequence: missense variant.
Genome position (GRCh38, 1-based): chr14:73,192,744, G>C. VCF-style: chr14-73192744-G-C. GRCh37 (hg19) VCF-style: chr14-73659452-G-C.
Other names: c.637G>C, p.Gly213Arg (NM_007318.3); short protein forms G217R, G213R.
Identifiers: ClinVar variation 18159 (VCV000018159.12), dbSNP rs267606983, ClinGen allele CA127843.

ClinVar aggregate classification (germline): Likely pathogenic. Review status: criteria provided, multiple submitters, no conflicts (2 of 4 stars). 3 submissions from 3 submitters: Likely pathogenic (2). 1 of the submissions does not count toward it. Last evaluated 2025-04-08.

Conditions:
Frontotemporal dementia (FTD1). Also called: WILHELMSEN-LYNCH DISEASE; Frontotemporal lobe dementia (FLDEM); Dementia, frontotemporal, with or without parkinsonism; Frontotemporal Dementia with Parkinsonism-17 (FTDP-17); FRONTOTEMPORAL DEMENTIA WITH PARKINSONISM; FRONTOTEMPORAL LOBE DEMENTIA. Identifiers: Orphanet 282, MedGen C0338451, MONDO:0017276, OMIM 600274, HP:0002145.
Alzheimer disease 3 (AD3). Also called: ALZHEIMER DISEASE, FAMILIAL, 3. Identifiers: Orphanet 1020, MedGen C1843013, MONDO:0011913, OMIM 607822.
Acne inversa, familial, 3 (ACNINV3). Identifiers: MedGen C3151038, MONDO:0013398, OMIM 613737.
Pick disease. Also called: Pick Disease of the Brain; Pick's disease; LOBAR ATROPHY OF BRAIN; PICK DISEASE OF BRAIN; DEMENTIA WITH LOBAR ATROPHY AND NEURONAL CYTOPLASMIC INCLUSIONS. Identifiers: Orphanet 282, MedGen C0236642, MONDO:0008243, OMIM 172700.
Alzheimer disease, familial, 3, with unusual plaques. Identifiers: MedGen C4015781.

Submissions (3):

Women's Health and Genetics/Laboratory Corporation of America, LabCorp
Classification: Likely pathogenic for Alzheimer disease 3. Last evaluated: 2025-04-08. Review status: criteria provided, single submitter. Criteria: LabCorp Variant Classification Summary - May 2015. Collection method: clinical testing. Allele origin: germline.
Comment: Variant summary: PSEN1 c.649G>C (p.Gly217Arg) results in a non-conservative amino acid change in the encoded protein sequence. Five of five in-silico tools predict a damaging effect of the variant on protein function. The variant was absent in 251494 control chromosomes (gnomAD). c.649G>C has been reported in the literature in individuals affected with clinical features of Alzheimer Disease (Norton_2009). Multiple publications report experimental evidence evaluating an impact on protein function and this variant affected the PSEN1 protein function (Norton_2009, Potter_2013, Sun_2016). The following publications have been ascertained in the context of this evaluation (PMID: 19667325, 23761040, 26756738, 27930341). ClinVar contains an entry for this variant (Variation ID: 18159). Based on the evidence outlined above, the variant was classified as likely pathogenic.

Labcorp Genetics (formerly Invitae), Labcorp
Classification: Likely pathogenic for Alzheimer disease 3; Pick disease; Acne inversa, familial, 3; Frontotemporal dementia. Last evaluated: 2024-07-26. Review status: criteria provided, single submitter. Criteria: Invitae Variant Classification Sherloc (09022015). Collection method: clinical testing. Allele origin: germline.
Comment: This sequence change replaces glycine, which is neutral and non-polar, with arginine, which is basic and polar, at codon 217 of the PSEN1 protein (p.Gly217Arg). This variant is not present in population databases (gnomAD no frequency). This missense change has been observed in individual(s) with clinical features of Alzheimer disease (PMID: 19667325). It has also been observed to segregate with disease in related individuals. ClinVar contains an entry for this variant (Variation ID: 18159). Advanced modeling of protein sequence and biophysical properties (such as structural, functional, and spatial information, amino acid conservation, physicochemical variation, residue mobility, and thermodynamic stability) performed at Invitae indicates that this missense variant is expected to disrupt PSEN1 protein function with a positive predictive value of 80%. Experimental studies have shown that this missense change affects PSEN1 function (PMID: 19667325, 27930341). This variant disrupts the p.Gly217 amino acid residue in PSEN1. Other variant(s) that disrupt this residue have been observed in individuals with PSEN1-related conditions (PMID: 12111359, 20634584, 28350801), which suggests that this may be a clinically significant amino acid residue. In summary, the currently available evidence indicates that the variant is pathogenic, but additional data are needed to prove that conclusively. Therefore, this variant has been classified as Likely Pathogenic.

OMIM
Classification: Pathogenic for ALZHEIMER DISEASE, FAMILIAL, 3, WITH UNUSUAL PLAQUES. Last evaluated: 2009-08-11. Review status: no assertion criteria provided. Collection method: literature only. Allele origin: germline. Not counted in ClinVar's aggregate classification.

Literature cited by the submitters: PubMed 27930341 (cited by Women's Health and Genetics/Laboratory Corporation of America, LabCorp and Labcorp Genetics (formerly Invitae), Labcorp); PubMed 19667325 (cited by 3 submitters); PubMed 23761040 (cited by Women's Health and Genetics/Laboratory Corporation of America, LabCorp); PubMed 26756738 (cited by Women's Health and Genetics/Laboratory Corporation of America, LabCorp); PubMed 12111359 (cited by Labcorp Genetics (formerly Invitae), Labcorp); PubMed 20634584 (cited by Labcorp Genetics (formerly Invitae), Labcorp); PubMed 28350801 (cited by Labcorp Genetics (formerly Invitae), Labcorp).